The following is an entry in ClinVar:

NM_001244008.2(KIF1A):c.1636A>G (p.Lys546Glu)

Gene: KIF1A (kinesin family member 1A; minus strand). Cytogenetic location: 2q37.3.
Variant type: single nucleotide variant.
Coding change: c.1636A>G on transcript NM_001244008.2 (MANE Select); coding-DNA position 1636, A replaced by G.
Protein change: p.Lys546Glu; replaces lysine 546 with glutamic acid.
Molecular consequence: missense variant.
Genome position (GRCh38, 1-based): chr2:240,766,963, T>C on the plus strand (A>G on the coding strand, the complement: KIF1A is on the minus strand). VCF-style: chr2-240766963-T-C. GRCh37 (hg19) VCF-style: chr2-241706380-T-C.
Other names: c.1636A>G, p.Lys546Glu (NM_001320705.2, NM_001330289.2, NM_001379638.1); c.1711A>G, p.Lys571Glu (NM_001330290.2, NM_001379631.1, NM_001379634.1 and 2 more transcripts); c.1609A>G, p.Lys537Glu (NM_001379632.1, NM_001379633.1, NM_001379636.1 and 10 more transcripts); c.1684A>G, p.Lys562Glu (NM_001379637.1, NM_001379648.1); short protein forms K546E, K537E, K571E, K562E.
Identifiers: ClinVar variation 1475560 (VCV001475560.8), dbSNP rs2125925707, ClinGen allele CA351328136.

ClinVar aggregate classification (germline): Uncertain significance (1 of 4 stars; one submission).

Conditions:
Hereditary spastic paraplegia 30. Identifiers: Orphanet 101010, MedGen C5235139, MONDO:0012476.
Neuropathy, hereditary sensory, type 2C. Also called: KIF1A-Related HSAN2 (HSAN2C); Hereditary sensory and autonomic neuropathy type IIC. Identifiers: Orphanet 970, MedGen C3280168, MONDO:0013634, OMIM 614213.
Intellectual disability, autosomal dominant 9 (NESCAVS). Also called: KIF1A-Related Neurodevelopmental Disorder; NESCAV SYNDROME. Identifiers: Orphanet 662367, MedGen C5393830, MONDO:0013656, OMIM 614255.

Submission:

Labcorp Genetics (formerly Invitae), Labcorp
Classification: Uncertain significance for Hereditary spastic paraplegia 30; Neuropathy, hereditary sensory, type 2C; Intellectual disability, autosomal dominant 9. Last evaluated: 2021-07-15. Review status: criteria provided, single submitter. Criteria: Invitae Variant Classification Sherloc (09022015). Collection method: clinical testing. Allele origin: germline.
Comment: This sequence change replaces lysine with glutamic acid at codon 537 of the KIF1A protein (p.Lys537Glu). The lysine residue is moderately conserved and there is a small physicochemical difference between lysine and glutamic acid. In summary, the available evidence is currently insufficient to determine the role of this variant in disease. Therefore, it has been classified as a Variant of Uncertain Significance. Algorithms developed to predict the effect of missense changes on protein structure and function (SIFT, PolyPhen-2, Align-GVGD) all suggest that this variant is likely to be tolerated. This variant has not been reported in the literature in individuals affected with KIF1A-related conditions. This variant is not present in population databases (ExAC no frequency).